The following is an entry in ClinVar:

NM_000108.5(DLD):c.904G>T (p.Glu302Ter)

Gene: DLD (dihydrolipoamide dehydrogenase; plus strand). Cytogenetic location: 7q31.1.
Variant type: single nucleotide variant.
Coding change: c.904G>T on transcript NM_000108.5 (MANE Select); coding-DNA position 904, G replaced by T.
Protein change: p.Glu302Ter; replaces glutamic acid 302 with a stop codon.
Molecular consequence: nonsense.
Genome position (GRCh38, 1-based): chr7:107,916,822, G>T. VCF-style: chr7-107916822-G-T. GRCh37 (hg19) VCF-style: chr7-107557267-G-T.
Other names: c.607G>T, p.Glu203Ter (NM_001289750.1); c.835G>T, p.Glu279Ter (NM_001289751.1); c.760G>T, p.Glu254Ter (NM_001289752.1); short protein forms E203*, E254*, E279*, E302*.
Identifiers: ClinVar variation 983932 (VCV000983932.3), dbSNP rs2032281944, ClinGen allele CA368857501.
Genomic context (GRCh38, chr7:107,916,822, plus strand): 5'-TATTTAACATTTATACACTGTTTGTTATCTAGTATTGAAGCTGCTTCTGGTGGTAAAGCT[G>T]AAGTTATCACTTGTGATGTACTCTTGGTTTGCATTGGCCGACGACCCTTTACTAAGAATT-3'

ClinVar aggregate classification (germline): Likely pathogenic (1 of 4 stars; one submission).

Conditions:
Pyruvate dehydrogenase E3 deficiency (DLDD). Also called: Dihydrolipoamide Dehydrogenase E3 Deficiency; DLD DEFICIENCY; E3 DEFICIENCY; Dihydrolipoamide Dehydrogenase (E3) Deficiency; Lipoamide dehydrogenase deficiency; MAPLE SYRUP URINE DISEASE, TYPE III. Identifiers: Orphanet 2394, Orphanet 765, MedGen C5574660, MONDO:0009529, OMIM 246900.

Submission:

Myriad Genetics, Inc.
Classification: Likely pathogenic for Pyruvate dehydrogenase E3 deficiency. Last evaluated: 2019-12-04. Review status: criteria provided, single submitter. Criteria: Myriad Women's Health Autosomal Recessive and X-Linked Classification Criteria (2019). Collection method: clinical testing. Allele origin: unknown.
Comment: NM_000108.3(DLD):c.904G>T(E302*) is expected to be pathogenic in the context of dihydrolipoamide dehydrogenase deficiency. This variant is predicted to lead to an abnormal or absent protein product due to the creation of a premature termination codon in DLD, a gene where loss-of-function variants are known to be pathogenic. Please note: this variant was assessed in the context of healthy population screening.